The following is an entry in ClinVar:

ClinVar aggregate classification (germline): Uncertain significance (1 of 4 stars; one submission).

Conditions:
Hereditary cancer-predisposing syndrome. Also called: Neoplastic Syndromes, Hereditary; Tumor predisposition; Hereditary Cancer Syndrome; Hereditary neoplastic syndrome. Identifiers: Orphanet 140162, MedGen C0027672, MeSH D009386, MONDO:0015356.

Submission:

Ambry Genetics
Classification: Uncertain significance for Hereditary cancer-predisposing syndrome. Last evaluated: 2025-09-19. Review status: criteria provided, single submitter. Criteria: Ambry Variant Classification Scheme 2023. Collection method: clinical testing. Allele origin: germline.
Comment: The p.T192P variant (also known as c.574A>C), located in coding exon 6 of the MITF gene, results from an A to C substitution at nucleotide position 574. The threonine at codon 192 is replaced by proline, an amino acid with highly similar properties. This amino acid position is conserved. In addition, this alteration is predicted to be tolerated by in silico analysis. Based on the available evidence, the clinical significance of this variant remains unclear.

NM_001354604.2(MITF):c.895A>C (p.Thr299Pro)

Gene: MITF (melanocyte inducing transcription factor; plus strand). Cytogenetic location: 3p13.
Variant type: single nucleotide variant.
Coding change: c.895A>C on transcript NM_001354604.2 (MANE Select); coding-DNA position 895, A replaced by C.
Protein change: p.Thr299Pro; replaces threonine 299 with proline.
Molecular consequence: missense variant. On other transcripts: intron variant (9).
Genome position (GRCh38, 1-based): chr3:69,951,826, A>C. VCF-style: chr3-69951826-A-C. GRCh37 (hg19) VCF-style: chr3-70000977-A-C.
Other names: c.574A>C, p.Thr192Pro (NM_000248.4); c.892A>C, p.Thr298Pro (NM_001354605.2); c.830-4A>C (NM_001354607.2); c.725-4A>C (NM_001354608.2, NM_001184967.2); c.881-4A>C (NM_198159.3); c.878-4A>C (NM_001354606.2, NM_006722.3); c.833-4A>C (NM_198177.3); c.560-4A>C (NM_198158.3); and 1 more; short protein forms T192P, T299P, T298P.
Identifiers: ClinVar variation 4648448 (VCV004648448.1).
Genomic context (GRCh38, chr3:69,951,826, plus strand): 5'-AACTTCAAACAGTTCCAACTTCTAATGACTTCATTCACGTGCACAGCGTGTATTTTTCCC[A>C]CAGAGTCTGAAGCAAGAGCACTGGCCAAAGAGAGGCAGAAAAAGGACAATCACAACCTGA-3'
Protein context (NP_001341533.1, residues 289-309): KRELTACIFP[Thr299Pro]ESEARALAKE